The following is an entry in ClinVar:

NM_004006.3(DMD):c.2797C>G (p.Gln933Glu)

Gene: DMD (dystrophin; minus strand). Cytogenetic location: Xp21.1.
Variant type: single nucleotide variant.
Coding change: c.2797C>G on transcript NM_004006.3 (MANE Select); coding-DNA position 2797, C replaced by G.
Protein change: p.Gln933Glu; replaces glutamine 933 with glutamic acid.
Molecular consequence: missense variant.
Genome position (GRCh38, 1-based): chrX:32,484,925, G>C on the plus strand (C>G on the coding strand, the complement: DMD is on the minus strand). VCF-style: chrX-32484925-G-C. GRCh37 (hg19) VCF-style: chrX-32503042-G-C.
Other names: c.2773C>G, p.Gln925Glu (NM_000109.4); c.2785C>G, p.Gln929Glu (NM_004009.3); c.2428C>G, p.Gln810Glu (NM_004010.3); short protein forms Q810E, Q929E, Q933E, Q925E.
Identifiers: ClinVar variation 5003710 (VCV005003710.1).

ClinVar aggregate classification (germline): Uncertain significance (1 of 4 stars; one submission).

Conditions:
Progressive muscular dystrophy. Identifiers: Orphanet 206644, MedGen C4551827, MONDO:0016106.

Submission:

Myriad Genetics, Inc.
Classification: Uncertain significance for Progressive muscular dystrophy. Last evaluated: 2026-07-28. Review status: criteria provided, single submitter. Criteria: Myriad Autosomal Dominant, Autosomal Recessive and X-Linked Classification Criteria (2023). Collection method: clinical testing. Allele origin: unknown.
Comment: NM_004006.2(DMD):c.2797C>G(Q933E) is a missense variant classified as a variant of uncertain significance in the context of dystrophinopathy (including Duchenne/Becker muscular dystrophy). Q933E has been observed in a case with relevant disease (PMID: 37716855). Relevant functional assessments of this variant are not available in the literature. Q933E has not been observed in referenced population frequency databases. In summary, there is insufficient evidence to classify NM_004006.2(DMD):c.2797C>G(Q933E) as pathogenic or benign. Please note: this variant was assessed in the context of healthy population screening.

Literature cited by the submitters: PubMed 37716855.